The following is an entry in ClinVar:

ClinVar aggregate classification (germline): Uncertain significance. Review status: criteria provided, multiple submitters, no conflicts (2 of 4 stars). 2 submissions from 2 submitters: Uncertain significance (2). Last evaluated 2024-07-10.

Conditions:
Inborn genetic diseases. Identifiers: MedGen C0950123, MeSH D030342.

Allele frequency attached by ClinVar (database versions not stated): gnomAD 0.00003 and 0.00004; gnomAD exomes 0.00003 and 0.00010; TOPMed 0.00004; ExAC 0.00012; 1000 Genomes Project 30x 0.00016; 1000 Genomes Project 0.00020.

Submissions (2):

Ambry Genetics
Classification: Uncertain significance for Inborn genetic diseases. Last evaluated: 2024-07-10. Review status: criteria provided, single submitter. Criteria: Ambry Variant Classification Scheme 2023. Collection method: clinical testing. Allele origin: germline.

Labcorp Genetics (formerly Invitae), Labcorp
Classification: Uncertain significance. Last evaluated: 2022-07-19. Review status: criteria provided, single submitter. Criteria: Invitae Variant Classification Sherloc (09022015). Collection method: clinical testing. Allele origin: germline.
Comment: This sequence change replaces lysine, which is basic and polar, with arginine, which is basic and polar, at codon 112 of the LARP7 protein (p.Lys112Arg). This variant is present in population databases (rs576858846, gnomAD 0.05%). This variant has not been reported in the literature in individuals affected with LARP7-related conditions. ClinVar contains an entry for this variant (Variation ID: 1429106). Algorithms developed to predict the effect of missense changes on protein structure and function output the following: SIFT: "Tolerated"; PolyPhen-2: "Benign"; Align-GVGD: "Class C0". The arginine amino acid residue is found in multiple mammalian species, which suggests that this missense change does not adversely affect protein function. In summary, the available evidence is currently insufficient to determine the role of this variant in disease. Therefore, it has been classified as a Variant of Uncertain Significance.

NM_016648.4(LARP7):c.335A>G (p.Lys112Arg)

Gene: LARP7 (La ribonucleoprotein 7, transcriptional regulator; plus strand). Cytogenetic location: 4q25.
Variant type: single nucleotide variant.
Coding change: c.335A>G on transcript NM_016648.4 (MANE Select); coding-DNA position 335, A replaced by G.
Protein change: p.Lys112Arg; replaces lysine 112 with arginine.
Molecular consequence: missense variant.
Genome position (GRCh38, 1-based): chr4:112,646,619, A>G. VCF-style: chr4-112646619-A-G. GRCh37 (hg19) VCF-style: chr4-113567775-A-G.
Other names: c.335A>G, p.Lys112Arg (NM_001267039.4, NM_001370974.1, NM_001370975.1 and 6 more transcripts); c.98A>G, p.Lys33Arg (NM_001370981.1, NM_001370982.1); c.335A>G (NM_016648.2); short protein forms K112R, K33R.
Identifiers: ClinVar variation 1429106 (VCV001429106.5), dbSNP rs576858846, ClinGen allele CA3049046.